The following is an entry in ClinVar:

ClinVar aggregate classification (germline): Uncertain significance. Review status: criteria provided, single submitter (1 of 4 stars). 2 submissions from 2 submitters: Uncertain significance (1). 1 of the submissions does not count toward it. Last evaluated 2024-04-10.

Conditions:
HEMOGLOBIN HINWIL.

Submissions (2):

GeneDx
Classification: Uncertain significance. Last evaluated: 2024-04-10. Review status: criteria provided, single submitter. Criteria: GeneDx Variant Classification Process June 2021. Collection method: clinical testing. Allele origin: germline. Affected: yes.
Comment: Identified in a family with mild erythrocytosis in the published literature (PMID: 8745430); Not observed at significant frequency in large population cohorts (gnomAD); In silico analysis supports that this missense variant has a deleterious effect on protein structure/function; This variant is associated with the following publications: (PMID: 8745430)

OMIM
Classification: other for HEMOGLOBIN HINWIL. Last evaluated: 2017-12-12. Review status: no assertion criteria provided. Collection method: literature only. Allele origin: germline. Not counted in ClinVar's aggregate classification.

Literature cited by the submitters: PubMed 8745430 (cited by OMIM).

NM_000518.5(HBB):c.116C>A (p.Thr39Asn)

Genes: HBB (hemoglobin subunit beta; minus strand), LOC106099062 (HBB recombination region; plus strand), LOC107133510 (origin of replication at HBB; plus strand). Cytogenetic location: 11p15.4.
Variant type: single nucleotide variant.
Coding change: c.116C>A on transcript NM_000518.5 (MANE Select); coding-DNA position 116, C replaced by A.
Protein change: p.Thr39Asn; replaces threonine 39 with asparagine.
Molecular consequence: missense variant.
Genome position (GRCh38, 1-based): chr11:5,226,776, G>T on the plus strand (C>A on the coding strand, the complement: HBB is on the minus strand). VCF-style: chr11-5226776-G-T. GRCh37 (hg19) VCF-style: chr11-5248006-G-T.
Other names: T38N; short protein forms T39N.
Identifiers: ClinVar variation 15549 (VCV000015549.3), dbSNP rs34703513, ClinGen allele CA125430.